The following is an entry in ClinVar:

ClinVar aggregate classification (germline): Uncertain significance. Review status: criteria provided, multiple submitters, no conflicts (2 of 4 stars). 5 submissions from 5 submitters: Uncertain significance (4). 1 of the submissions does not count toward it. Last evaluated 2024-11-22.

Conditions:
Hereditary cancer-predisposing syndrome. Also called: Hereditary Cancer Syndrome; Neoplastic Syndromes, Hereditary; Tumor predisposition; Hereditary neoplastic syndrome. Identifiers: Orphanet 140162, MedGen C0027672, MeSH D009386, MONDO:0015356.
Ataxia-telangiectasia syndrome (AT). Also called: Ataxia telangiectasia (A-T); Ataxia-telangiectasia, complementation group E; LOUIS-BAR SYNDROME; Cerebello-oculocutaneous telangiectasia; Immunodeficiency with ataxia telangiectasia; Ataxia-telangiectasia, complementation group D. Identifiers: Orphanet 100, MedGen C0004135, MONDO:0008840, OMIM 208900.

Allele frequency attached by ClinVar (database versions not stated): gnomAD exomes below 0.00001.
gnomAD v4.1: 7 of 1,605,892 alleles (0.00044%); highest among the groups gnomAD compares: Non-Finnish European, 0.00051%; no homozygotes.

Submissions (5):

Ambry Genetics
Classification: Uncertain significance for Hereditary cancer-predisposing syndrome. Last evaluated: 2024-11-22. Review status: criteria provided, single submitter. Criteria: Ambry Variant Classification Scheme 2023. Collection method: clinical testing. Allele origin: germline.
Comment: The p.R62G variant (also known as c.184A>G), located in coding exon 2 of the ATM gene, results from an A to G substitution at nucleotide position 184. The arginine at codon 62 is replaced by glycine, an amino acid with dissimilar properties. This alteration was identified in 1/1358 non-cancer control individuals and in 0/57 cases, in a study looking at cancer predisposition mutations in patients with cutaneous melanoma and a history of at least two additional non-cutaneous melanoma primary cancers (Pritchard AL et al. PLoS One, 2018 Apr;13:e0194098). This alteration has been reported in 1/13087 breast cancer cases and 0/5488 control individuals in the UK (Decker B et al. J Med Genet, 2017 11;54:732-741). This amino acid position is well conserved in available vertebrate species. In addition, the in silico prediction for this alteration is inconclusive. Since supporting evidence is limited at this time, the clinical significance of this alteration remains unclear.

Labcorp Genetics (formerly Invitae), Labcorp
Classification: Uncertain significance for Ataxia-telangiectasia syndrome. Last evaluated: 2024-05-29. Review status: criteria provided, single submitter. Criteria: Invitae Variant Classification Sherloc (09022015). Collection method: clinical testing. Allele origin: germline.
Comment: This sequence change replaces arginine, which is basic and polar, with glycine, which is neutral and non-polar, at codon 62 of the ATM protein (p.Arg62Gly). This variant is not present in population databases (gnomAD no frequency). This variant has not been reported in the literature in individuals affected with ATM-related conditions. ClinVar contains an entry for this variant (Variation ID: 231859). An algorithm developed to predict the effect of missense changes on protein structure and function (PolyPhen-2) suggests that this variant is likely to be disruptive. Algorithms developed to predict the effect of sequence changes on RNA splicing suggest that this variant may disrupt the consensus splice site. In summary, the available evidence is currently insufficient to determine the role of this variant in disease. Therefore, it has been classified as a Variant of Uncertain Significance.

GeneDx
Classification: Uncertain significance. Last evaluated: 2023-10-25. Review status: criteria provided, single submitter. Criteria: GeneDx Variant Classification Process June 2021. Collection method: clinical testing. Allele origin: germline. Affected: yes.
Comment: Not observed at significant frequency in large population cohorts (gnomAD); In silico analysis supports that this missense variant has a deleterious effect on protein structure/function; Observed in individual(s) with breast cancer (PMID: 28779002); This variant is associated with the following publications: (PMID: 29641532, 28779002)

Color Diagnostics, LLC DBA Color Health
Classification: Uncertain significance for Hereditary cancer-predisposing syndrome. Last evaluated: 2021-10-05. Review status: criteria provided, single submitter. Criteria: ACMG Guidelines, 2015. Collection method: clinical testing. Allele origin: germline.
Comment: This missense variant replaces arginine with glycine at codon 62 of the ATM protein. Computational prediction suggests that this variant may not impact protein structure and function (internally defined REVEL score threshold <= 0.5, PMID: 27666373). Splicing algorithms yield inconsistent predictions on this variant's impact on splicing. To our knowledge, functional studies have not been reported for this variant. In two large scale studies, this variant has been reported in two individuals affected with breast cancer and one individual in a control group (PMID: 28779002, 33471991). This variant has not been identified in the general population by the Genome Aggregation Database (gnomAD). The available evidence is insufficient to determine the role of this variant in disease conclusively. Therefore, this variant is classified as a Variant of Uncertain Significance.

Natera, Inc.
Classification: Uncertain significance for Ataxia-telangiectasia. Last evaluated: 2020-09-16. Review status: no assertion criteria provided. Collection method: clinical testing. Allele origin: germline. Not counted in ClinVar's aggregate classification.

Literature cited by the submitters: PubMed 28779002 (cited by Ambry Genetics and Color Diagnostics, LLC DBA Color Health); PubMed 29641532 (cited by Ambry Genetics); PubMed 33471991 (cited by Color Diagnostics, LLC DBA Color Health).

NM_000051.4(ATM):c.184A>G (p.Arg62Gly)

Gene: ATM (ATM serine/threonine kinase; plus strand). Cytogenetic location: 11q22.3.
Variant type: single nucleotide variant.
Coding change: c.184A>G on transcript NM_000051.4 (MANE Select); coding-DNA position 184, A replaced by G.
Protein change: p.Arg62Gly; replaces arginine 62 with glycine.
Molecular consequence: missense variant.
Genome position (GRCh38, 1-based): chr11:108,227,887, A>G. VCF-style: chr11-108227887-A-G. GRCh37 (hg19) VCF-style: chr11-108098614-A-G.
Other names: c.184A>G, p.Arg62Gly (NM_001351834.2, NM_001351835.2, NM_001351836.2); short protein forms R62G.
Identifiers: ClinVar variation 231859 (VCV000231859.21), dbSNP rs876659407, ClinGen allele CA10578948.